The following is an entry in ClinVar:

NM_000465.4(BARD1):c.675A>T (p.Glu225Asp)

Gene: BARD1 (BRCA1 associated RING domain 1; minus strand). Cytogenetic location: 2q35.
Variant type: single nucleotide variant.
Coding change: c.675A>T on transcript NM_000465.4 (MANE Select); coding-DNA position 675, A replaced by T.
Protein change: p.Glu225Asp; replaces glutamic acid 225 with aspartic acid.
Molecular consequence: missense variant. On other transcripts: non-coding transcript variant (2), intron variant (3).
Genome position (GRCh38, 1-based): chr2:214,781,199, T>A on the plus strand (A>T on the coding strand, the complement: BARD1 is on the minus strand). VCF-style: chr2-214781199-T-A. GRCh37 (hg19) VCF-style: chr2-215645923-T-A.
Other names: c.618A>T, p.Glu206Asp (NM_001282543.2); c.158+28213A>T (NM_001282548.2); c.215+15862A>T (NM_001282545.2); c.364+11098A>T (NM_001282549.2); short protein forms E225D, E206D.
Identifiers: ClinVar variation 628630 (VCV000628630.8), dbSNP rs1559425348, ClinGen allele CA350456468.

ClinVar aggregate classification (germline): Uncertain significance. Review status: criteria provided, multiple submitters, no conflicts (2 of 4 stars). 3 submissions from 3 submitters: Uncertain significance (3). Last evaluated 2023-02-18.

Conditions:
Hereditary cancer-predisposing syndrome. Also called: Neoplastic Syndromes, Hereditary; Tumor predisposition; Hereditary neoplastic syndrome; Hereditary Cancer Syndrome. Identifiers: Orphanet 140162, MedGen C0027672, MeSH D009386, MONDO:0015356.
Familial cancer of breast. Also called: BREAST CANCER, FAMILIAL; Hereditary breast cancer; hereditary breast carcinoma. Identifiers: Orphanet 227535, MedGen C0346153, MONDO:0016419, OMIM 114480. Disease mechanism: loss of function.

Submissions (3):

Labcorp Genetics (formerly Invitae), Labcorp
Classification: Uncertain significance for Familial cancer of breast. Last evaluated: 2023-02-18. Review status: criteria provided, single submitter. Criteria: Invitae Variant Classification Sherloc (09022015). Collection method: clinical testing. Allele origin: germline.
Comment: This variant has not been reported in the literature in individuals affected with BARD1-related conditions. In summary, the available evidence is currently insufficient to determine the role of this variant in disease. Therefore, it has been classified as a Variant of Uncertain Significance. Algorithms developed to predict the effect of missense changes on protein structure and function output the following: SIFT: "Not Available"; PolyPhen-2: "Benign"; Align-GVGD: "Not Available". The aspartic acid amino acid residue is found in multiple mammalian species, which suggests that this missense change does not adversely affect protein function. ClinVar contains an entry for this variant (Variation ID: 628630). This variant is not present in population databases (gnomAD no frequency). This sequence change replaces glutamic acid, which is acidic and polar, with aspartic acid, which is acidic and polar, at codon 225 of the BARD1 protein (p.Glu225Asp).

Mendelics
Classification: Uncertain significance for Familial cancer of breast. Last evaluated: 2019-05-28. Review status: criteria provided, single submitter. Criteria: Mendelics Assertion Criteria 2017. Collection method: clinical testing. Allele origin: unknown.

Color Diagnostics, LLC DBA Color Health
Classification: Uncertain significance for Hereditary cancer-predisposing syndrome. Last evaluated: 2019-01-25. Review status: criteria provided, single submitter. Criteria: ACMG Guidelines, 2015. Collection method: clinical testing. Allele origin: germline.